The following is an entry in ClinVar:

NM_001868.4(CPA1):c.545A>T (p.Glu182Val)

Gene: CPA1 (carboxypeptidase A1; plus strand). Cytogenetic location: 7q32.2.
Variant type: single nucleotide variant.
Coding change: c.545A>T on transcript NM_001868.4 (MANE Select); coding-DNA position 545, A replaced by T.
Protein change: p.Glu182Val; replaces glutamic acid 182 with valine.
Molecular consequence: missense variant.
Genome position (GRCh38, 1-based): chr7:130,383,452, A>T. VCF-style: chr7-130383452-A-T. GRCh37 (hg19) VCF-style: chr7-130023293-A-T.
Other names: short protein forms E182V.
Identifiers: ClinVar variation 3496195 (VCV003496195.3).
Genomic context (GRCh38, chr7:130,383,452, plus strand): 5'-TCAGCACGGGGGGCAGTAAGCGTCCAGCCATCTGGATCGACACGGGCATCCATTCCCGGG[A>T]GTGGGTCACCCAGGCCAGTGGGGTCTGGTTTGCAAAGAAGGTAAGGCCGGGGAGGTGAGG-3'
Protein context (NP_001859.1, residues 172-192): IWIDTGIHSR[Glu182Val]WVTQASGVWF

ClinVar aggregate classification (germline): Uncertain significance. Review status: criteria provided, multiple submitters, no conflicts (2 of 4 stars). 2 submissions from 2 submitters: Uncertain significance (2). Last evaluated 2024-11-10.

Conditions:
Hereditary pancreatitis (PCTT). Also called: Hereditary chronic pancreatitis; PRSS1-Related Hereditary Pancreatitis. Identifiers: Orphanet 676, MedGen C0238339, MONDO:0008185, OMIM 167800.

Submissions (2):

Labcorp Genetics (formerly Invitae), Labcorp
Classification: Uncertain significance. Last evaluated: 2024-11-10. Review status: criteria provided, single submitter. Criteria: Invitae Variant Classification Sherloc (09022015). Collection method: clinical testing. Allele origin: germline.
Comment: This sequence change replaces glutamic acid, which is acidic and polar, with valine, which is neutral and non-polar, at codon 182 of the CPA1 protein (p.Glu182Val). This variant is not present in population databases (gnomAD no frequency). This variant has not been reported in the literature in individuals affected with CPA1-related conditions. Invitae Evidence Modeling of protein sequence and biophysical properties (such as structural, functional, and spatial information, amino acid conservation, physicochemical variation, residue mobility, and thermodynamic stability) indicates that this missense variant is expected to disrupt CPA1 protein function with a positive predictive value of 80%. In summary, the available evidence is currently insufficient to determine the role of this variant in disease. Therefore, it has been classified as a Variant of Uncertain Significance.

Ambry Genetics
Classification: Uncertain significance for Hereditary pancreatitis. Last evaluated: 2024-08-17. Review status: criteria provided, single submitter. Criteria: Ambry Variant Classification Scheme 2023. Collection method: clinical testing. Allele origin: germline.
Comment: The p.E182V variant (also known as c.545A>T), located in coding exon 5 of the CPA1 gene, results from an A to T substitution at nucleotide position 545. The glutamic acid at codon 182 is replaced by valine, an amino acid with dissimilar properties. This amino acid position is conserved. In addition, this alteration is predicted to be deleterious by in silico analysis. Based on the available evidence, the clinical significance of this variant remains unclear.